The following is an entry in ClinVar:

NM_182914.3(SYNE2):c.12799G>A (p.Asp4267Asn)

Gene: SYNE2 (spectrin repeat containing nuclear envelope protein 2; plus strand). Cytogenetic location: 14q23.2.
Variant type: single nucleotide variant.
Coding change: c.12799G>A on transcript NM_182914.3 (MANE Select); coding-DNA position 12799, G replaced by A.
Protein change: p.Asp4267Asn; replaces aspartic acid 4267 with asparagine.
Molecular consequence: missense variant.
Genome position (GRCh38, 1-based): chr14:64,113,530, G>A. VCF-style: chr14-64113530-G-A. GRCh37 (hg19) VCF-style: chr14-64580248-G-A.
Other names: c.12799G>A, p.Asp4267Asn (NM_015180.6); short protein forms D4267N.
Identifiers: ClinVar variation 1468154 (VCV001468154.5), dbSNP rs1274566063, ClinGen allele CA389958658.
Genomic context (GRCh38, chr14:64,113,530, plus strand): 5'-GAGCTGGAGCTGTGGCTGCAACAAGCCAACGTGGCAGTTGAGCCGGAAACATTAAACGCA[G>A]ACATGCAGCAGGTGCTGGAACAGCAGCTGGTAGGGTGCCAGGTAAGACTGAGAAGTCAGA-3'
Protein context (NP_878918.2, residues 4257-4277): VAVEPETLNA[Asp4267Asn]MQQVLEQQLV

ClinVar aggregate classification (germline): Uncertain significance (1 of 4 stars; one submission).

Conditions:
Emery-Dreifuss muscular dystrophy 5, autosomal dominant (EDMD5). Also called: EMERY-DREIFUSS MUSCULAR DYSTROPHY 5. Identifiers: Orphanet 261, MedGen C2751805, MONDO:0013072, OMIM 612999.

Allele frequency attached by ClinVar (database versions not stated): gnomAD exomes below 0.00001; TOPMed below 0.00001.
gnomAD v4.1: 1 of 1,613,408 alleles (0.000062%); highest among the groups gnomAD compares: Admixed American, 0.0017%; no homozygotes.

Submission:

Labcorp Genetics (formerly Invitae), Labcorp
Classification: Uncertain significance for Emery-Dreifuss muscular dystrophy 5, autosomal dominant. Last evaluated: 2022-07-04. Review status: criteria provided, single submitter. Criteria: Invitae Variant Classification Sherloc (09022015). Collection method: clinical testing. Allele origin: germline.
Comment: This sequence change replaces aspartic acid, which is acidic and polar, with asparagine, which is neutral and polar, at codon 4267 of the SYNE2 protein (p.Asp4267Asn). This variant is present in population databases (no rsID available, gnomAD 0.003%). This variant has not been reported in the literature in individuals affected with SYNE2-related conditions. ClinVar contains an entry for this variant (Variation ID: 1468154). Algorithms developed to predict the effect of missense changes on protein structure and function are either unavailable or do not agree on the potential impact of this missense change (SIFT: "Tolerated"; PolyPhen-2: "Possibly Damaging"; Align-GVGD: "Class C0"). In summary, the available evidence is currently insufficient to determine the role of this variant in disease. Therefore, it has been classified as a Variant of Uncertain Significance.